The following is an entry in ClinVar:

ClinVar aggregate classification (germline): Conflicting classifications of pathogenicity. Review status: criteria provided, conflicting classifications (1 of 4 stars). 5 submissions from 5 submitters: Uncertain significance (1); Benign (3); Likely benign (1). Last evaluated 2025-03-10.

Conditions:
Familial meningioma. Also called: Meningioma, familial, susceptibility to. Identifiers: Orphanet 263662, MedGen C3551915, MONDO:0011789, OMIM 607174.
Idiopathic basal ganglia calcification 1 (PFBC1A). Also called: Fahr's syndrome; Cerebral calcification nonarteriosclerotic idiopathic adult-onset; Striopallidodentate calcinosis autosomal dominant adult-onset; Ferrocalcinosis, cerebrovascular; Fahr disease, familial (formerly); Familial Idiopathic Basal Ganglia Calcification 2. Identifiers: Orphanet 1980, MedGen C4551624, MONDO:0024538, OMIM 213600.
Basal ganglia calcification, idiopathic, 5. Also called: PRIMARY FAMILIAL BRAIN CALCIFICATION 5, AUTOSOMAL DOMINANT. Identifiers: Orphanet 1980, MedGen C3809645, MONDO:0014204, OMIM 615483.
Inborn genetic diseases. Identifiers: MedGen C0950123, MeSH D030342.

Allele frequency attached by ClinVar (database versions not stated): ExAC 0.00022; gnomAD exomes 0.00013 and 0.00027; gnomAD 0.00021; TOPMed 0.00022; ESP Exome Variant Server 0.00031.
gnomAD v4.1: 242 of 1,613,974 alleles (0.015%); highest among the groups gnomAD compares: African/African-American, 0.019%; 1 homozygote.

Submissions (5):

Mayo Clinic Laboratories, Mayo Clinic
Classification: Benign. Last evaluated: 2025-03-10. Review status: criteria provided, single submitter. Criteria: ACMG Guidelines, 2015. Collection method: clinical testing. Allele origin: germline. Observed: 1 variant allele.
Comment: BS1, BS2, BP4_moderate

Ambry Genetics
Classification: Uncertain significance for Inborn genetic diseases. Last evaluated: 2023-07-11. Review status: criteria provided, single submitter. Criteria: Ambry Variant Classification Scheme 2023. Collection method: clinical testing. Allele origin: germline.

Labcorp Genetics (formerly Invitae), Labcorp
Classification: Benign. Last evaluated: 2023-06-14. Review status: criteria provided, single submitter. Criteria: Invitae Variant Classification Sherloc (09022015). Collection method: clinical testing. Allele origin: germline.

Department of Pathology and Laboratory Medicine, Sinai Health System
Classification: Likely benign for Idiopathic basal ganglia calcification 1; Familial meningioma; Basal ganglia calcification, idiopathic, 5. Last evaluated: 2021-07-30. Review status: criteria provided, single submitter. Criteria: ACMG Guidelines, 2015. Collection method: research. Allele origin: germline.

Breakthrough Genomics
Classification: Benign. Review status: criteria provided, single submitter. Criteria: ACMG Guidelines, 2015. Collection method: not provided. Allele origin: germline. Inheritance: Autosomal dominant inheritance. Affected: yes.

NM_002608.4(PDGFB):c.647G>A (p.Arg216His)

Gene: PDGFB (platelet derived growth factor subunit B; minus strand). Cytogenetic location: 22q13.1.
Variant type: single nucleotide variant.
Coding change: c.647G>A on transcript NM_002608.4 (MANE Select); coding-DNA position 647, G replaced by A.
Protein change: p.Arg216His; replaces arginine 216 with histidine.
Molecular consequence: missense variant.
Genome position (GRCh38, 1-based): chr22:39,225,802, C>T on the plus strand (G>A on the coding strand, the complement: PDGFB is on the minus strand). VCF-style: chr22-39225802-C-T. GRCh37 (hg19) VCF-style: chr22-39621807-C-T.
Other names: p.Arg216His; c.602G>A, p.Arg201His (NM_033016.3); c.647G>A (NM_002608.2); short protein forms R201H, R216H.
Identifiers: ClinVar variation 1626703 (VCV001626703.12), dbSNP rs371825684, ClinGen allele CA10240028.